The following is an entry in ClinVar:

ClinVar aggregate classification (germline): Uncertain significance (0 of 4 stars; one submission).

Conditions:
Intellectual developmental disorder, autosomal dominant 67 (MRD67). Also called: MENTAL RETARDATION, AUTOSOMAL DOMINANT 67. Identifiers: MedGen C5677006, MONDO:0030964, OMIM 619927.

gnomAD v4.1: 243 of 1,613,078 alleles (0.015%); highest among the groups gnomAD compares: South Asian, 0.17%; 2 homozygotes.

Submission:

Hong-Tao Li Lab, Institute of Brain Science and Brain-inspired Research, Shandong First Medical University & Shandong Academy of Medical Sciences China
Classification: Uncertain significance for Intellectual developmental disorder, autosomal dominant 67. Review status: no assertion criteria provided. Collection method: research. Allele origin: germline. Inheritance: Autosomal dominant inheritance. Affected: yes. Observed: 1 variant allele, 1 heterozygote.
Comment: Observed in affected individuals from a Pakistani neurodevelopmental-disorder research cohort of 263 individuals. Classification assigned using the ACMG/AMP framework. Population-frequency evidence: gnomAD AF 0.0002833.

NM_000827.4(GRIA1):c.1123G>A (p.Gly375Ser)

Gene: GRIA1 (glutamate ionotropic receptor AMPA type subunit 1; plus strand). Cytogenetic location: 5q33.2.
Variant type: single nucleotide variant.
Coding change: c.1123G>A on transcript NM_000827.4 (MANE Select); coding-DNA position 1123, G replaced by A.
Protein change: p.Gly375Ser; replaces glycine 375 with serine.
Molecular consequence: missense variant. On other transcripts: non-coding transcript variant (2).
Genome position (GRCh38, 1-based): chr5:153,686,318, G>A. VCF-style: chr5-153686318-G-A. GRCh37 (hg19) VCF-style: chr5-153065878-G-A.
Other names: c.1123G>A, p.Gly375Ser (NM_001114183.2); c.883G>A, p.Gly295Ser (NM_001258019.2); c.838G>A, p.Gly280Ser (NM_001258020.2); c.1153G>A, p.Gly385Ser (NM_001258021.2, NM_001258022.2); c.916G>A, p.Gly306Ser (NM_001258023.1, NM_001364167.2); c.955G>A, p.Gly319Ser (NM_001364165.2); c.1150G>A, p.Gly384Ser (NM_001364166.2); short protein forms G280S, G295S, G306S, G319S, G375S, G384S, G385S.
Identifiers: ClinVar variation 4884843 (VCV004884843.1).